The following is an entry in ClinVar:

NM_000222.3(KIT):c.2786C>G (p.Ser929Ter)

Gene: KIT (KIT proto-oncogene, receptor tyrosine kinase; plus strand). Cytogenetic location: 4q12.
Variant type: single nucleotide variant.
Coding change: c.2786C>G on transcript NM_000222.3 (MANE Select); coding-DNA position 2786, C replaced by G.
Protein change: p.Ser929Ter; replaces serine 929 with a stop codon.
Molecular consequence: nonsense.
Genome position (GRCh38, 1-based): chr4:54,737,264, C>G. VCF-style: chr4-54737264-C-G. GRCh37 (hg19) VCF-style: chr4-55603430-C-G.
Other names: c.2774C>G, p.Ser925Ter (NM_001093772.2, NM_001385292.1); c.2789C>G, p.Ser930Ter (NM_001385284.1); c.2783C>G, p.Ser928Ter (NM_001385285.1); c.2771C>G, p.Ser924Ter (NM_001385286.1); c.2777C>G, p.Ser926Ter (NM_001385288.1); c.2786C>G, p.Ser929Ter (NM_001385290.1); short protein forms S929*, S924*, S926*, S930*, S925*, S928*.
Identifiers: ClinVar variation 1990924 (VCV001990924.3), dbSNP rs1578008403, ClinGen allele CA356914542.

ClinVar aggregate classification (germline): Uncertain significance (1 of 4 stars; one submission).

Conditions:
Gastrointestinal stromal tumor. Also called: Gastrointestinal stroma tumor; Gastrointestinal stromal tumor, somatic. Identifiers: Orphanet 44890, MedGen C0238198, MeSH D046152, MONDO:0011719, OMIM 606764, HP:0100723.

Allele frequency attached by ClinVar (database versions not stated): gnomAD exomes below 0.00001.
gnomAD v4.1: 1 of 1,611,118 alleles (0.000062%); highest among the groups gnomAD compares: East Asian, 0.0022%; no homozygotes.

Submission:

Labcorp Genetics (formerly Invitae), Labcorp
Classification: Uncertain significance for Gastrointestinal stromal tumor. Last evaluated: 2022-09-03. Review status: criteria provided, single submitter. Criteria: Invitae Variant Classification Sherloc (09022015). Collection method: clinical testing. Allele origin: germline.
Comment: This sequence change creates a premature translational stop signal (p.Ser929*) in the KIT gene. While this is not anticipated to result in nonsense mediated decay, it is expected to disrupt the last 48 amino acid(s) of the KIT protein. This variant is not present in population databases (gnomAD no frequency). This variant has not been reported in the literature in individuals affected with KIT-related conditions. Experimental studies and prediction algorithms are not available or were not evaluated, and the functional significance of this variant is currently unknown. In summary, the available evidence is currently insufficient to determine the role of this variant in disease. Therefore, it has been classified as a Variant of Uncertain Significance.